The following is an entry in ClinVar:

NM_000444.6(PHEX):c.1880G>A (p.Trp627Ter)

Genes: PHEX (phosphate regulating endopeptidase X-linked; plus strand), PTCHD1-AS (PTCHD1 and PHEX antisense RNA; minus strand). Cytogenetic location: Xp22.11.
Variant type: single nucleotide variant.
Coding change: c.1880G>A on transcript NM_000444.6 (MANE Select); coding-DNA position 1880, G replaced by A.
Protein change: p.Trp627Ter; replaces tryptophan 627 with a stop codon.
Molecular consequence: nonsense.
Genome position (GRCh38, 1-based): chrX:22,221,724, G>A. VCF-style: chrX-22221724-G-A. GRCh37 (hg19) VCF-style: chrX-22239841-G-A.
Other names: c.1880G>A, p.Trp627Ter (NM_001282754.2); short protein forms W627*.
Identifiers: ClinVar variation 426353 (VCV000426353.10), dbSNP rs1085307584, ClinGen allele CA412573880.

ClinVar aggregate classification (germline): Pathogenic. Review status: criteria provided, multiple submitters, no conflicts (2 of 4 stars). 3 submissions from 3 submitters: Pathogenic (3). Last evaluated 2023-05-31.

Submissions (3):

Clinical Genetics Laboratory, Skane University Hospital Lund
Classification: Pathogenic. Last evaluated: 2023-05-31. Review status: criteria provided, single submitter. Criteria: ACMG Guidelines, 2015. Collection method: clinical testing. Allele origin: germline. Affected: yes.

Labcorp Genetics (formerly Invitae), Labcorp
Classification: Pathogenic. Last evaluated: 2020-01-15. Review status: criteria provided, single submitter. Criteria: Invitae Variant Classification Sherloc (09022015). Collection method: clinical testing. Allele origin: germline.
Comment: For these reasons, this variant has been classified as Pathogenic. Loss-of-function variants in PHEX are known to be pathogenic (PMID: 9097956, 9106524, 19219621). This variant has not been reported in the literature in individuals with PHEX-related conditions. ClinVar contains an entry for this variant (Variation ID: 426353). This variant is not present in population databases (ExAC no frequency). This sequence change creates a premature translational stop signal (p.Trp627*) in the PHEX gene. It is expected to result in an absent or disrupted protein product.

GeneDx
Classification: Pathogenic. Last evaluated: 2017-04-19. Review status: criteria provided, single submitter. Criteria: GeneDx Variant Classification (06012015). Collection method: clinical testing. Allele origin: germline. Affected: yes.
Comment: The W627X nonsense variant in the PHEX gene may have been been reported previously in association with X-linked hypophosphatemic rickets; however, the variant was referred to as c.2445 G>A (p.W627X) in exon 22, making it unclear whether this is alternate nomenclature or an error (Martos et al., 2016). This variant is predicted to cause loss of normal protein function either through protein truncation or nonsense-mediated mRNA decay. The variant is not observed in large population cohorts (Lek et al., 2016; 1000 Genomes Consortium et al., 2015; Exome Variant Server). In summary, we consider this variant to be pathogenic.

Literature cited by the submitters: PubMed 9097956 (cited by Labcorp Genetics (formerly Invitae), Labcorp); PubMed 9106524 (cited by Labcorp Genetics (formerly Invitae), Labcorp); PubMed 19219621 (cited by Labcorp Genetics (formerly Invitae), Labcorp).